The following is an entry in ClinVar:

ClinVar aggregate classification (germline): Conflicting classifications of pathogenicity. Review status: criteria provided, conflicting classifications (1 of 4 stars). 4 submissions from 4 submitters: Uncertain significance (1); Benign (1); Likely benign (2). Last evaluated 2025-07-29.

Conditions:
Diamond-Blackfan anemia. Also called: Blackfan Diamond syndrome; Aregenerative anemia chronic congenital; Red cell aplasia, pure hereditary; Congenital hypoplastic anemia; Aase syndrome. Identifiers: Orphanet 124, MedGen C1260899, MeSH D029503, MONDO:0015253, HP:0004810.

Allele frequency attached by ClinVar (database versions not stated): TOPMed 0.24344; 1000 Genomes Project 30x 0.25344; gnomAD 0.25775 and 0.26313; gnomAD exomes 0.30976.

Submissions (4):

Mayo Clinic Laboratories, Mayo Clinic
Classification: Likely benign. Last evaluated: 2025-07-29. Review status: criteria provided, single submitter. Criteria: ACMG Guidelines, 2015. Collection method: clinical testing. Allele origin: germline. Observed: 13 variant alleles.
Comment: BP4, BP7

Laboratory of Genetics, Children's Clinical University Hospital Latvia
Classification: Benign. Last evaluated: 2025-02-16. Review status: criteria provided, single submitter. Criteria: ACMG Guidelines, 2015. Collection method: clinical testing. Allele origin: germline. Affected: yes.

GeneDx
Classification: Uncertain significance. Last evaluated: 2017-02-16. Review status: criteria provided, single submitter. Criteria: GeneDx Variant Classification (06012015). Collection method: clinical testing. Allele origin: germline. Affected: yes.
Comment: The c.159 T>C (Y53Y) variant has not been published as a pathogenic variant, nor has it been reported as a benign variant to our knowledge. No population data for this variant is available due to low coverage of the RPS17 gene (Lek et al., 2016; 1000 Genomes Consortium et al., 2015; Exome Variant Server). This variant occurs at a position that is conserved across species. However, the variant is a synonymous change which does not affect the amino acid sequence, and in silico analysis predicts this variant likely does not affect splicing. In summary, based on the currently available information, it is unclear whether this variant is a pathogenic variant or a rare benign variant.

Ambry Genetics
Classification: Likely benign for Diamond-Blackfan anemia. Last evaluated: 2016-02-03. Review status: criteria provided, single submitter. Criteria: Ambry Variant Classification Scheme 2023. Collection method: clinical testing. Allele origin: germline.

NM_001021.6(RPS17):c.159T>C (p.Tyr53=)

Gene: RPS17 (ribosomal protein S17; minus strand). Cytogenetic location: 15q25.2.
Variant type: single nucleotide variant.
Coding change: c.159T>C on transcript NM_001021.6 (MANE Select); coding-DNA position 159, T replaced by C.
Protein change: p.Tyr53=; no amino-acid change (tyrosine 53 retained).
Molecular consequence: synonymous variant. On other transcripts: non-coding transcript variant (2).
Genome position (GRCh38, 1-based): chr15:82,538,982, A>G on the plus strand (T>C on the coding strand, the complement: RPS17 is on the minus strand). VCF-style: chr15-82538982-A-G. GRCh37 (hg19) VCF-style: chr15-82823390-A-G.
Other names: p.Tyr53=.
Identifiers: ClinVar variation 419839 (VCV000419839.5), dbSNP rs6991, ClinGen allele CA273932819.